The following is an entry in ClinVar:

ClinVar aggregate classification (germline): Uncertain significance. Review status: criteria provided, multiple submitters, no conflicts (2 of 4 stars). 2 submissions from 2 submitters: Uncertain significance (2). Last evaluated 2026-08-20.

Conditions:
Cardiovascular phenotype. Identifiers: MedGen CN230736.
Hereditary hemorrhagic telangiectasia (HHT). Also called: Osler hemorrhagic telangiectasia syndrome; ORW DISEASE; Osler Weber Rendu syndrome; OSLER-RENDU-WEBER DISEASE. Identifiers: Orphanet 774, MedGen C0039445, MONDO:0019180. Disease mechanism: loss of function.

Allele frequency attached by ClinVar (database versions not stated): ExAC 0.00001; gnomAD exomes below 0.00001.
gnomAD v4.1: 2 of 1,614,176 alleles (0.00012%); highest among the groups gnomAD compares: South Asian, 0.0011%; no homozygotes.

Submissions (2):

Ambry Genetics
Classification: Uncertain significance for Cardiovascular phenotype. Last evaluated: 2026-08-20. Review status: criteria provided, single submitter. Criteria: Ambry Variant Classification Scheme 2023. Collection method: clinical testing. Allele origin: germline.
Comment: The p.S393G variant (also known as c.1177A>G), located in coding exon 9 of the ENG gene, results from an A to G substitution at nucleotide position 1177. The serine at codon 393 is replaced by glycine, an amino acid with similar properties. This amino acid position is conserved. In addition, this alteration is predicted to be tolerated by in silico analysis. Based on the available evidence, the clinical significance of this variant remains unclear.

Labcorp Genetics (formerly Invitae), Labcorp
Classification: Uncertain significance for Hereditary hemorrhagic telangiectasia. Last evaluated: 2020-02-06. Review status: criteria provided, single submitter. Criteria: Invitae Variant Classification Sherloc (09022015). Collection method: clinical testing. Allele origin: germline.
Comment: In summary, the available evidence is currently insufficient to determine the role of this variant in disease. Therefore, it has been classified as a Variant of Uncertain Significance. Algorithms developed to predict the effect of missense changes on protein structure and function are either unavailable or do not agree on the potential impact of this missense change (SIFT: "Deleterious"; PolyPhen-2: "Benign"; Align-GVGD: "Class C0"). This variant has not been reported in the literature in individuals with ENG-related conditions. This variant is present in population databases (rs781518626, ExAC 0.006%). This sequence change replaces serine with glycine at codon 393 of the ENG protein (p.Ser393Gly). The serine residue is moderately conserved and there is a small physicochemical difference between serine and glycine.

NM_001114753.3(ENG):c.1177A>G (p.Ser393Gly)

Genes: ENG (endoglin; minus strand), LOC102723566 (uncharacterized LOC102723566; plus strand). Cytogenetic location: 9q34.11.
Variant type: single nucleotide variant.
Coding change: c.1177A>G on transcript NM_001114753.3 (MANE Select); coding-DNA position 1177, A replaced by G.
Protein change: p.Ser393Gly; replaces serine 393 with glycine.
Molecular consequence: missense variant.
Genome position (GRCh38, 1-based): chr9:127,819,995, T>C on the plus strand (A>G on the coding strand, the complement: ENG is on the minus strand). VCF-style: chr9-127819995-T-C. GRCh37 (hg19) VCF-style: chr9-130582274-T-C.
Other names: c.1177A>G (NM_001114753.1); c.1177A>G, p.Ser393Gly (NM_000118.4); c.631A>G, p.Ser211Gly (NM_001278138.2); short protein forms S211G, S393G.
Identifiers: ClinVar variation 1018053 (VCV001018053.12), dbSNP rs781518626, ClinGen allele CA5252847.